The following is an entry in ClinVar:

ClinVar aggregate classification (germline): Uncertain significance (1 of 4 stars; one submission).

Conditions:
Hereditary cancer-predisposing syndrome. Also called: Tumor predisposition; Hereditary Cancer Syndrome; Hereditary neoplastic syndrome; Neoplastic Syndromes, Hereditary. Identifiers: Orphanet 140162, MedGen C0027672, MeSH D009386, MONDO:0015356.

Submission:

Ambry Genetics
Classification: Uncertain significance for Hereditary cancer-predisposing syndrome. Last evaluated: 2026-02-13. Review status: criteria provided, single submitter. Criteria: Ambry Variant Classification Scheme 2023. Collection method: clinical testing. Allele origin: germline.
Comment: The c.260G>A variant (also known as p.S87N), located in coding exon 1 of the MSH6 gene, results from a G to A substitution at nucleotide position 260. The amino acid change results in serine to asparagine at codon 87, an amino acid with highly similar properties. However, this change occurs in the last base pair of coding exon 1, which makes it likely to have some effect on normal mRNA splicing. This nucleotide position is highly conserved in available vertebrate species. In silico splice site analysis predicts that this alteration will weaken the native splice donor site and may result in the creation or strengthening of a novel splice donor site. Since supporting evidence is limited at this time, the clinical significance of this alteration remains unclear.

NM_000179.3(MSH6):c.260G>A (p.Ser87Asn)

Genes: MSH6 (mutS homolog 6; plus strand), LOC129933707 (ATAC-STARR-seq lymphoblastoid silent region 11468; plus strand). Cytogenetic location: 2p16.3.
Variant type: single nucleotide variant.
Coding change: c.260G>A on transcript NM_000179.3 (MANE Select); coding-DNA position 260, G replaced by A.
Protein change: p.Ser87Asn; replaces serine 87 with asparagine.
Molecular consequence: missense variant. On other transcripts: 5 prime UTR variant (1), intron variant (1).
Genome position (GRCh38, 1-based): chr2:47,783,493, G>A. VCF-style: chr2-47783493-G-A. GRCh37 (hg19) VCF-style: chr2-48010632-G-A.
Other names: c.-477G>A (NM_001281493.2, NM_001406811.1); c.260G>A, p.Arg87Lys (NM_001406795.1, NM_001406802.1); c.260G>A, p.Ser87Asn (NM_001406796.1, NM_001406798.1, NM_001406800.1 and 6 more transcripts); c.-69G>A (NM_001406799.1); c.-669G>A (NM_001406807.1); c.-324G>A (NM_001406812.1); c.-735G>A (NM_001406814.1); c.-280G>A (NM_001406816.1); and 1 more; short protein forms R87K, S87N.
Identifiers: ClinVar variation 1793784 (VCV001793784.3), dbSNP rs1114167734, ClinGen allele CA346735189.